The following is an entry in ClinVar:

NM_001382430.1(AKT1):c.616A>G (p.Arg206Gly)

Gene: AKT1 (AKT serine/threonine kinase 1; minus strand). Cytogenetic location: 14q32.33.
Variant type: single nucleotide variant.
Coding change: c.616A>G on transcript NM_001382430.1 (MANE Select); coding-DNA position 616, A replaced by G.
Protein change: p.Arg206Gly; replaces arginine 206 with glycine.
Molecular consequence: missense variant.
Genome position (GRCh38, 1-based): chr14:104,774,955, T>C on the plus strand (A>G on the coding strand, the complement: AKT1 is on the minus strand). VCF-style: chr14-104774955-T-C. GRCh37 (hg19) VCF-style: chr14-105241292-T-C.
Other names: c.616A>G, p.Arg206Gly (NM_001014431.2, NM_001014432.2, NM_001382431.1 and 3 more transcripts); short protein forms R206G.
Identifiers: ClinVar variation 3519150 (VCV003519150.1).

ClinVar aggregate classification (germline): Uncertain significance (1 of 4 stars; one submission).

Conditions:
Inborn genetic diseases. Identifiers: MedGen C0950123, MeSH D030342.

gnomAD v4.1: 1 of 1,612,020 alleles (0.000062%); highest among the groups gnomAD compares: Non-Finnish European, 0.000085%; no homozygotes.

Submission:

Ambry Genetics
Classification: Uncertain significance for Inborn genetic diseases. Last evaluated: 2024-11-21. Review status: criteria provided, single submitter. Criteria: Ambry Variant Classification Scheme 2023. Collection method: clinical testing. Allele origin: germline.
Comment: The p.R206G variant (also known as c.616A>G), located in coding exon 6 of the AKT1 gene, results from an A to G substitution at nucleotide position 616. The arginine at codon 206 is replaced by glycine, an amino acid with dissimilar properties. This amino acid position is conserved. In addition, this alteration is predicted to be tolerated by in silico analysis. Based on the available evidence, the clinical significance of this variant remains unclear.